The following is an entry in ClinVar:

ClinVar aggregate classification (germline): Uncertain significance. Review status: criteria provided, multiple submitters, no conflicts (2 of 4 stars). 2 submissions from 2 submitters: Uncertain significance (2). Last evaluated 2024-12-17.

Conditions:
Fanconi anemia (FA). Also called: Fanconi's anemia. Identifiers: Orphanet 84, MedGen C0015625, MeSH D005199, MONDO:0019391.
Inborn genetic diseases. Identifiers: MedGen C0950123, MeSH D030342.

Allele frequency attached by ClinVar (database versions not stated): gnomAD exomes below 0.00001; TOPMed below 0.00001.
gnomAD v4.1: 5 of 1,613,960 alleles (0.00031%); highest among the groups gnomAD compares: Non-Finnish European, 0.00042%; no homozygotes.

Submissions (2):

Ambry Genetics
Classification: Uncertain significance for Inborn genetic diseases. Last evaluated: 2024-12-17. Review status: criteria provided, single submitter. Criteria: Ambry Variant Classification Scheme 2023. Collection method: clinical testing. Allele origin: germline.
Comment: The p.P108L variant (also known as c.323C>T), located in coding exon 4 of the FANCA gene, results from a C to T substitution at nucleotide position 323. The proline at codon 108 is replaced by leucine, an amino acid with similar properties. This amino acid position is conserved. In addition, the in silico prediction for this alteration is inconclusive. Based on the available evidence, the clinical significance of this variant remains unclear.

Labcorp Genetics (formerly Invitae), Labcorp
Classification: Uncertain significance for Fanconi anemia. Last evaluated: 2022-02-21. Review status: criteria provided, single submitter. Criteria: Invitae Variant Classification Sherloc (09022015). Collection method: clinical testing. Allele origin: germline.
Comment: This variant is not present in population databases (gnomAD no frequency). This sequence change replaces proline, which is neutral and non-polar, with leucine, which is neutral and non-polar, at codon 108 of the FANCA protein (p.Pro108Leu). This variant has not been reported in the literature in individuals affected with FANCA-related conditions. In summary, the available evidence is currently insufficient to determine the role of this variant in disease. Therefore, it has been classified as a Variant of Uncertain Significance. Algorithms developed to predict the effect of missense changes on protein structure and function are either unavailable or do not agree on the potential impact of this missense change (SIFT: "Deleterious"; PolyPhen-2: "Possibly Damaging"; Align-GVGD: "Class C0").

NM_000135.4(FANCA):c.323C>T (p.Pro108Leu)

Gene: FANCA (FA complementation group A; minus strand). Cytogenetic location: 16q24.3.
Variant type: single nucleotide variant.
Coding change: c.323C>T on transcript NM_000135.4 (MANE Select); coding-DNA position 323, C replaced by T.
Protein change: p.Pro108Leu; replaces proline 108 with leucine.
Molecular consequence: missense variant.
Genome position (GRCh38, 1-based): chr16:89,811,032, G>A on the plus strand (C>T on the coding strand, the complement: FANCA is on the minus strand). VCF-style: chr16-89811032-G-A. GRCh37 (hg19) VCF-style: chr16-89877440-G-A.
Other names: c.323C>T, p.Pro108Leu (NM_001018112.3, NM_001286167.3, NM_001351830.2); short protein forms P108L.
Identifiers: ClinVar variation 2180074 (VCV002180074.4), dbSNP rs926971713, ClinGen allele CA397481047.
Genomic context (GRCh38, chr16:89,811,032, plus strand): 5'-GGAGCCGTGCAGATCTGTCCCACGCTAGAGGCAACCATCCCGGCTGAGAGAATACCCACG[G>A]GAACCCCCAGCCTTGAGGCTTGATCCTGCAAAGCAGAGCCTTAAACACAAAACAAAACCA-3'
Protein context (NP_000126.2, residues 98-118): LQDQASRLGV[Pro108Leu]VGILSAGMVA